The following is an entry in ClinVar:

NM_025137.4(SPG11):c.2057T>C (p.Leu686Pro)

Gene: SPG11 (SPG11 vesicle trafficking associated, spatacsin; minus strand). Cytogenetic location: 15q21.1.
Variant type: single nucleotide variant.
Coding change: c.2057T>C on transcript NM_025137.4 (MANE Select); coding-DNA position 2057, T replaced by C.
Protein change: p.Leu686Pro; replaces leucine 686 with proline.
Molecular consequence: missense variant.
Genome position (GRCh38, 1-based): chr15:44,628,679, A>G on the plus strand (T>C on the coding strand, the complement: SPG11 is on the minus strand). VCF-style: chr15-44628679-A-G. GRCh37 (hg19) VCF-style: chr15-44920877-A-G.
Other names: c.2057T>C, p.Leu686Pro (NM_001160227.2, NM_001411132.1); short protein forms L686P.
Identifiers: ClinVar variation 2874275 (VCV002874275.1), dbSNP rs2083970864, ClinGen allele CA392234065.

ClinVar aggregate classification (germline): Uncertain significance (1 of 4 stars; one submission).

Conditions:
Hereditary spastic paraplegia 11. Also called: Nakamura Osame syndrome; Autosomal recessive hereditary spastic paraplegia, mental impairment, and thin corpus callosum; Spastic paraplegia, mental retardation and thin corpus callosum; Spastic Paraplegia 11; SPASTIC PARAPLEGIA, AUTOSOMAL RECESSIVE, COMPLICATED, WITH THIN CORPUS CALLOSUM; SPASTIC PARAPLEGIA, AUTOSOMAL RECESSIVE, WITH MENTAL IMPAIRMENT AND THIN CORPUS CALLOSUM. Identifiers: Orphanet 2822, MedGen C1858479, MONDO:0011445, OMIM 604360.

Allele frequency attached by ClinVar (database versions not stated): gnomAD exomes below 0.00001; TOPMed 0.00001.

Submission:

Labcorp Genetics (formerly Invitae), Labcorp
Classification: Uncertain significance for Hereditary spastic paraplegia 11. Last evaluated: 2023-11-27. Review status: criteria provided, single submitter. Criteria: Invitae Variant Classification Sherloc (09022015). Collection method: clinical testing. Allele origin: germline.
Comment: This sequence change replaces leucine, which is neutral and non-polar, with proline, which is neutral and non-polar, at codon 686 of the SPG11 protein (p.Leu686Pro). This variant is not present in population databases (gnomAD no frequency). This variant has not been reported in the literature in individuals affected with SPG11-related conditions. Advanced modeling of protein sequence and biophysical properties (such as structural, functional, and spatial information, amino acid conservation, physicochemical variation, residue mobility, and thermodynamic stability) performed at Invitae indicates that this missense variant is expected to disrupt SPG11 protein function with a positive predictive value of 80%. In summary, the available evidence is currently insufficient to determine the role of this variant in disease. Therefore, it has been classified as a Variant of Uncertain Significance.